The following is an entry in ClinVar:

ClinVar aggregate classification (germline): Uncertain significance (1 of 4 stars; one submission).

Conditions:
Inborn genetic diseases. Identifiers: MedGen C0950123, MeSH D030342.

gnomAD v4.1: 1 of 1,612,840 alleles (0.000062%); highest among the groups gnomAD compares: East Asian, 0.0022%; no homozygotes.

Submission:

Ambry Genetics
Classification: Uncertain significance for Inborn genetic diseases. Last evaluated: 2025-08-30. Review status: criteria provided, single submitter. Criteria: Ambry Variant Classification Scheme 2023. Collection method: clinical testing. Allele origin: germline.
Comment: The p.R175G variant (also known as c.523C>G), located in coding exon 5 of the CEP57 gene, results from a C to G substitution at nucleotide position 523. The arginine at codon 175 is replaced by glycine, an amino acid with dissimilar properties. This amino acid position is conserved. In addition, this alteration is predicted to be tolerated by in silico analysis. Based on the available evidence, the clinical significance of this variant remains unclear.

NM_014679.5(CEP57):c.523C>G (p.Arg175Gly)

Gene: CEP57 (centrosomal protein 57; plus strand). Cytogenetic location: 11q21.
Variant type: single nucleotide variant.
Coding change: c.523C>G on transcript NM_014679.5 (MANE Select); coding-DNA position 523, C replaced by G.
Protein change: p.Arg175Gly; replaces arginine 175 with glycine.
Molecular consequence: missense variant. On other transcripts: intron variant (7).
Genome position (GRCh38, 1-based): chr11:95,817,805, C>G. VCF-style: chr11-95817805-C-G. GRCh37 (hg19) VCF-style: chr11-95550969-C-G.
Other names: c.496C>G, p.Arg166Gly (NM_001243776.2); c.523C>G, p.Arg175Gly (NM_001243777.2, NM_001440871.1, NM_001440874.1); c.442C>G, p.Arg148Gly (NM_001363604.2, NM_001440869.1, NM_001440870.1 and 1 more transcripts); c.343C>G, p.Arg115Gly (NM_001440873.1); c.262C>G, p.Arg88Gly (NM_001440880.1); c.424-1022C>G (NM_001440877.1, NM_001440878.1); c.505-1022C>G (NM_001440872.1, NM_001440876.1, NM_001440879.1 and 1 more transcripts); c.325-1022C>G (NM_001440881.1); short protein forms R115G, R166G, R88G, R148G, R175G.
Identifiers: ClinVar variation 4226393 (VCV004226393.1).